The following is an entry in ClinVar:

NM_007315.4(STAT1):c.542-3T>C

Gene: STAT1 (signal transducer and activator of transcription 1; minus strand). Cytogenetic location: 2q32.2.
Variant type: single nucleotide variant.
Coding change: c.542-3T>C on transcript NM_007315.4 (MANE Select); 3 bases into the intron before coding-DNA position 542, T replaced by C.
Molecular consequence: intron variant.
Genome position (GRCh38, 1-based): chr2:190,998,311, A>G on the plus strand (T>C on the coding strand, the complement: STAT1 is on the minus strand). VCF-style: chr2-190998311-A-G. GRCh37 (hg19) VCF-style: chr2-191863037-A-G.
Other names: c.452-3T>C (NM_001384890.1); c.535-304T>C (NM_001384883.1); c.542-3T>C (NM_001384885.1, NM_001384887.1, NM_001384880.1 and 5 more transcripts); c.578-3T>C (NM_001384891.1); c.548-3T>C (NM_001384884.1, NM_001384881.1).
Identifiers: ClinVar variation 1376040 (VCV001376040.6), dbSNP rs377490932, ClinGen allele CA62683357.
Genomic context (GRCh38, chr2:190,998,311, plus strand): 5'-TTGAGTAACAGCTGTTCTTGTTTCTGATCACTCTTTGCCACACCATTGGTCTCGTGTTCT[A>G]TAAATTGAGAGACAGCCAGTAAATATATAAAGAAGACAAAACCAACAAAAGCCAAGATTC-3'

ClinVar aggregate classification (germline): Uncertain significance (1 of 4 stars; one submission).

Conditions:
Autoimmune enteropathy and endocrinopathy - susceptibility to chronic infections syndrome. Also called: Immunodeficiency 31C; Immunodeficiency 31C, autosomal dominant. Identifiers: Orphanet 391487, MedGen C3279990, MONDO:0013599, OMIM 614162.
Immunodeficiency 31B. Also called: STAT1 DEFICIENCY, AUTOSOMAL RECESSIVE; IMMUNODEFICIENCY 31B, MYCOBACTERIAL AND VIRAL INFECTIONS, AUTOSOMAL RECESSIVE. Identifiers: Orphanet 391311, MedGen C3151088, MONDO:0013427, OMIM 613796.
Mendelian susceptibility to mycobacterial diseases due to partial STAT1 deficiency. Also called: IMMUNODEFICIENCY 31A, MYCOBACTERIOSIS, AUTOSOMAL DOMINANT; STAT1 DEFICIENCY, AUTOSOMAL DOMINANT; Immunodeficiency 31a. Identifiers: Orphanet 319595, MedGen C4013950, MONDO:0013956, OMIM 614892.

Allele frequency attached by ClinVar (database versions not stated): gnomAD exomes 0.00003 and 0.00006; gnomAD 0.00005 and 0.00006; TOPMed 0.00006; ESP Exome Variant Server 0.00008.
gnomAD v4.1: 96 of 1,609,480 alleles (0.006%); highest among the groups gnomAD compares: Non-Finnish European, 0.008%; no homozygotes.

Submission:

Labcorp Genetics (formerly Invitae), Labcorp
Classification: Uncertain significance for Mendelian susceptibility to mycobacterial diseases due to partial STAT1 deficiency; Immunodeficiency 31B; Autoimmune enteropathy and endocrinopathy - susceptibility to chronic infections syndrome. Last evaluated: 2026-01-16. Review status: criteria provided, single submitter. Criteria: Invitae Variant Classification Sherloc (09022015). Collection method: clinical testing. Allele origin: germline.
Comment: This sequence change falls in intron 7 of the STAT1 gene. It does not directly change the encoded amino acid sequence of the STAT1 protein. It affects a nucleotide within the consensus splice site. This variant is present in population databases (rs377490932, gnomAD 0.005%). This variant has not been reported in the literature in individuals affected with STAT1-related conditions. ClinVar contains an entry for this variant (Variation ID: 1376040). Variants that disrupt the consensus splice site are a relatively common cause of aberrant splicing (PMID: 17576681, 9536098). Algorithms developed to predict the effect of sequence changes on RNA splicing suggest that this variant is not likely to affect RNA splicing. In summary, the available evidence is currently insufficient to determine the role of this variant in disease. Therefore, it has been classified as a Variant of Uncertain Significance.

Literature cited by the submitters: PubMed 17576681; PubMed 9536098.